The following is an entry in ClinVar:

ClinVar aggregate classification (germline): Likely benign (1 of 4 stars; one submission).

gnomAD v4.1: 692 of 1,598,720 alleles (0.043%); highest among the groups gnomAD compares: Middle Eastern, 0.2%; 1 homozygote.

Submission:

CeGaT Center for Human Genetics Tuebingen
Classification: Likely benign. Last evaluated: 2026-07-01. Review status: criteria provided, single submitter. Criteria: CeGaT Center For Human Genetics Tuebingen Variant Classification Criteria Version 2. Collection method: clinical testing. Allele origin: germline. Affected: yes. Observed: 1 variant allele.
Comment: SRRM2: BP4, BP7

NM_016333.4(SRRM2):c.7653G>C (p.Ser2551=)

Gene: SRRM2 (serine/arginine repetitive matrix 2; plus strand). Cytogenetic location: 16p13.3.
Variant type: single nucleotide variant.
Coding change: c.7653G>C on transcript NM_016333.4 (MANE Select); coding-DNA position 7653, G replaced by C.
Protein change: p.Ser2551=; no amino-acid change (serine 2551 retained).
Molecular consequence: synonymous variant.
Genome position (GRCh38, 1-based): chr16:2,768,181, G>C. VCF-style: chr16-2768181-G-C. GRCh37 (hg19) VCF-style: chr16-2818182-G-C.
Identifiers: ClinVar variation 5038683 (VCV005038683.1).